The following is an entry in ClinVar:

ClinVar aggregate classification (germline): Likely pathogenic (1 of 4 stars; one submission).

Allele frequency attached by ClinVar (database versions not stated): gnomAD exomes below 0.00001; TOPMed 0.00001.
gnomAD v4.1: 5 of 1,583,052 alleles (0.00032%); highest among the groups gnomAD compares: Non-Finnish European, 0.00034%; no homozygotes.

Submission:

Labcorp Genetics (formerly Invitae), Labcorp
Classification: Likely pathogenic. Last evaluated: 2022-07-05. Review status: criteria provided, single submitter. Criteria: Invitae Variant Classification Sherloc (09022015). Collection method: clinical testing. Allele origin: germline.
Comment: This sequence change affects a donor splice site in intron 4 of the TCF3 gene. It is expected to disrupt RNA splicing. Variants that disrupt the donor or acceptor splice site typically lead to a loss of protein function (PMID: 16199547), and loss-of-function variants in TCF3 are known to be pathogenic (PMID: 24216514, 30063982). This variant is not present in population databases (gnomAD no frequency). This variant has not been reported in the literature in individuals affected with TCF3-related conditions. Algorithms developed to predict the effect of sequence changes on RNA splicing suggest that this variant may disrupt the consensus splice site. In summary, the currently available evidence indicates that the variant is pathogenic, but additional data are needed to prove that conclusively. Therefore, this variant has been classified as Likely Pathogenic.

Literature cited by the submitters: PubMed 16199547; PubMed 24216514; PubMed 30063982.

NM_003200.5(TCF3):c.219+1G>C

Gene: TCF3 (transcription factor 3; minus strand). Cytogenetic location: 19p13.3.
Variant type: single nucleotide variant.
Coding change: c.219+1G>C on transcript NM_003200.5 (MANE Select); the canonical splice donor site of the intron after coding-DNA position 219, G replaced by C.
Molecular consequence: splice donor variant.
Genome position (GRCh38, 1-based): chr19:1,632,331, C>G on the plus strand (G>C on the coding strand, the complement: TCF3 is on the minus strand). VCF-style: chr19-1632331-C-G. GRCh37 (hg19) VCF-style: chr19-1632330-C-G.
Other names: c.219+1G>C (NM_001351778.2, NM_001136139.4, NM_001351779.2).
Identifiers: ClinVar variation 2184750 (VCV002184750.1), dbSNP rs2063809984, ClinGen allele CA403080049.